The following is an entry in ClinVar:

NM_001999.4(FBN2):c.3414T>C (p.Phe1138=)

Gene: FBN2 (fibrillin 2; minus strand). Cytogenetic location: 5q23.3.
Variant type: single nucleotide variant.
Coding change: c.3414T>C on transcript NM_001999.4 (MANE Select); coding-DNA position 3414, T replaced by C.
Protein change: p.Phe1138=; no amino-acid change (phenylalanine 1138 retained).
Molecular consequence: synonymous variant.
Genome position (GRCh38, 1-based): chr5:128,338,991, A>G on the plus strand (T>C on the coding strand, the complement: FBN2 is on the minus strand). VCF-style: chr5-128338991-A-G. GRCh37 (hg19) VCF-style: chr5-127674683-A-G.
Identifiers: ClinVar variation 239083 (VCV000239083.23), dbSNP rs769005512, ClinGen allele CA3395244.

ClinVar aggregate classification (germline): Benign/Likely benign. Review status: criteria provided, multiple submitters, no conflicts (2 of 4 stars). 4 submissions from 4 submitters: Benign (1); Likely benign (3). Last evaluated 2026-09-01.

Conditions:
Congenital contractural arachnodactyly (CCA). Also called: BEALS SYNDROME; Arthrogryposis, distal, type 9; Beals-Hecht syndrome. Identifiers: Orphanet 115, MedGen C0220668, MONDO:0007363, OMIM 121050.
Familial thoracic aortic aneurysm and aortic dissection (TAAD). Also called: Thoracic aortic aneurysms and dissections. Identifiers: Orphanet 91387, MedGen C4707243, MONDO:0019625.

Allele frequency attached by ClinVar (database versions not stated): gnomAD 0.00005; gnomAD exomes 0.00010 and 0.00051; TOPMed 0.00031; ExAC 0.00034.
gnomAD v4.1: 152 of 1,614,004 alleles (0.0094%); highest among the groups gnomAD compares: Admixed American, 0.24%; no homozygotes.

Submissions (4):

CeGaT Center for Human Genetics Tuebingen
Classification: Likely benign. Last evaluated: 2026-09-01. Review status: criteria provided, single submitter. Criteria: CeGaT Center For Human Genetics Tuebingen Variant Classification Criteria Version 2. Collection method: clinical testing. Allele origin: germline. Affected: yes. Observed: 3 variant alleles.
Comment: FBN2: BP4, BP7

Labcorp Genetics (formerly Invitae), Labcorp
Classification: Benign for Congenital contractural arachnodactyly. Last evaluated: 2026-01-13. Review status: criteria provided, single submitter. Criteria: Invitae Variant Classification Sherloc (09022015). Collection method: clinical testing. Allele origin: germline.

GeneDx
Classification: Likely benign. Last evaluated: 2021-07-07. Review status: criteria provided, single submitter. Criteria: GeneDx Variant Classification Process June 2021. Collection method: clinical testing. Allele origin: germline. Affected: yes.

Ambry Genetics
Classification: Likely benign for Familial thoracic aortic aneurysm and aortic dissection. Last evaluated: 2016-12-09. Review status: criteria provided, single submitter. Criteria: Ambry Variant Classification Scheme 2023. Collection method: clinical testing. Allele origin: germline.